The following is an entry in ClinVar:

ClinVar aggregate classification (germline): Uncertain significance. Review status: criteria provided, single submitter (1 of 4 stars). 2 submissions from 2 submitters: Uncertain significance (1). 1 of the submissions does not count toward it. Last evaluated 2023-02-23.

Conditions:
SEMA3D-related disorder. Also called: SEMA3D-related condition.

Allele frequency attached by ClinVar (database versions not stated): gnomAD exomes 0.00002; ExAC 0.00003; gnomAD 0.00004; TOPMed 0.00006.

Submissions (2):

Ambry Genetics
Classification: Uncertain significance. Last evaluated: 2023-02-23. Review status: criteria provided, single submitter. Criteria: Ambry Variant Classification Scheme 2023. Collection method: clinical testing. Allele origin: germline.

PreventionGenetics, part of Exact Sciences
Classification: Uncertain significance for SEMA3D-related condition. Last evaluated: 2024-07-03. Review status: no assertion criteria provided. Collection method: clinical testing. Allele origin: germline. Not counted in ClinVar's aggregate classification.
Comment: The SEMA3D c.1603G>A variant is predicted to result in the amino acid substitution p.Asp535Asn. To our knowledge, this variant has not been reported in the literature. This variant is reported in 0.037% of alleles in individuals of African descent in gnomAD. At this time, the clinical significance of this variant is uncertain due to the absence of conclusive functional and genetic evidence.

NM_001384900.1(SEMA3D):c.1603G>A (p.Asp535Asn)

Gene: SEMA3D (semaphorin 3D; minus strand). Cytogenetic location: 7q21.11.
Variant type: single nucleotide variant.
Coding change: c.1603G>A on transcript NM_001384900.1 (MANE Select); coding-DNA position 1603, G replaced by A.
Protein change: p.Asp535Asn; replaces aspartic acid 535 with asparagine.
Molecular consequence: missense variant.
Genome position (GRCh38, 1-based): chr7:85,015,159, C>T on the plus strand (G>A on the coding strand, the complement: SEMA3D is on the minus strand). VCF-style: chr7-85015159-C-T. GRCh37 (hg19) VCF-style: chr7-84644475-C-T.
Other names: c.1603G>A, p.Asp535Asn (NM_001384901.1, NM_001384902.1, NM_001384903.1 and 1 more transcripts); short protein forms D535N.
Identifiers: ClinVar variation 2488542 (VCV002488542.4), dbSNP rs781364382, ClinGen allele CA4323356.
Genomic context (GRCh38, chr7:85,015,159, plus strand): 5'-CCCAGGCACAGTAGGGGTCTCTGGCAAGACAACAGTCTGCGCAAGCTTTCCCATAAGTGT[C>T]GCATCTGTGCAAGGAGAGCTGAACCAATCCATCTCGGGAACCAATGTACAATTGTTGCTG-3'
Protein context (NP_001371829.1, residues 525-545): GLVQLSLHRC[Asp535Asn]TYGKACADCC